The following is an entry in ClinVar:

NM_003664.5(AP3B1):c.1606A>G (p.Ile536Val)

Gene: AP3B1 (adaptor related protein complex 3 subunit beta 1; minus strand). Cytogenetic location: 5q14.1.
Variant type: single nucleotide variant.
Coding change: c.1606A>G on transcript NM_003664.5 (MANE Select); coding-DNA position 1606, A replaced by G.
Protein change: p.Ile536Val; replaces isoleucine 536 with valine.
Molecular consequence: missense variant.
Genome position (GRCh38, 1-based): chr5:78,141,187, T>C on the plus strand (A>G on the coding strand, the complement: AP3B1 is on the minus strand). VCF-style: chr5-78141187-T-C. GRCh37 (hg19) VCF-style: chr5-77437011-T-C.
Other names: c.1459A>G, p.Ile487Val (NM_001271769.2); c.1606A>G, p.Ile536Val (NM_001410752.1); short protein forms I487V, I536V.
Identifiers: ClinVar variation 4731817 (VCV004731817.1).

ClinVar aggregate classification (germline): Uncertain significance (1 of 4 stars; one submission).

Conditions:
Hermansky-Pudlak syndrome 2 (HPS2). Also called: Platelet defects and oculocutaneous albinism. Identifiers: Orphanet 183678, Orphanet 79430, MedGen C1842362, MONDO:0011997, OMIM 608233.

gnomAD v4.1: 4 of 1,613,866 alleles (0.00025%); highest among the groups gnomAD compares: African/African-American, 0.0027%; no homozygotes.

Submission:

Labcorp Genetics (formerly Invitae), Labcorp
Classification: Uncertain significance for Hermansky-Pudlak syndrome 2. Last evaluated: 2025-12-02. Review status: criteria provided, single submitter. Criteria: Invitae Variant Classification Sherloc (09022015). Collection method: clinical testing. Allele origin: germline.
Comment: This sequence change replaces isoleucine, which is neutral and non-polar, with valine, which is neutral and non-polar, at codon 536 of the AP3B1 protein (p.Ile536Val). This variant is not present in population databases (gnomAD no frequency). This variant has not been reported in the literature in individuals affected with AP3B1-related conditions. An algorithm developed to predict the effect of missense changes on protein structure and function (PolyPhen-2) suggests that this variant is likely to be tolerated. Algorithms developed to predict the effect of sequence changes on RNA splicing suggest that this variant may disrupt the consensus splice site. In summary, the available evidence is currently insufficient to determine the role of this variant in disease. Therefore, it has been classified as a Variant of Uncertain Significance.